The following is an entry in ClinVar:

NM_014915.3(ANKRD26):c.3401A>G (p.Glu1134Gly)

Gene: ANKRD26 (ankyrin repeat domain containing 26; minus strand). Cytogenetic location: 10p12.1.
Variant type: single nucleotide variant.
Coding change: c.3401A>G on transcript NM_014915.3 (MANE Select); coding-DNA position 3401, A replaced by G.
Protein change: p.Glu1134Gly; replaces glutamic acid 1134 with glycine.
Molecular consequence: missense variant.
Genome position (GRCh38, 1-based): chr10:27,035,049, T>C on the plus strand (A>G on the coding strand, the complement: ANKRD26 is on the minus strand). VCF-style: chr10-27035049-T-C. GRCh37 (hg19) VCF-style: chr10-27323978-T-C.
Other names: c.3398A>G, p.Glu1133Gly (NM_001256053.2); short protein forms E1133G, E1134G.
Identifiers: ClinVar variation 3870352 (VCV003870352.1).

ClinVar aggregate classification (germline): Uncertain significance (1 of 4 stars; one submission).

Conditions:
Inborn genetic diseases. Identifiers: MedGen C0950123, MeSH D030342.

Submission:

Ambry Genetics
Classification: Uncertain significance for Inborn genetic diseases. Last evaluated: 2025-01-13. Review status: criteria provided, single submitter. Criteria: Ambry Variant Classification Scheme 2023. Collection method: clinical testing. Allele origin: germline.
Comment: The p.E1134G variant (also known as c.3401A>G), located in coding exon 24 of the ANKRD26 gene, results from an A to G substitution at nucleotide position 3401. The glutamic acid at codon 1134 is replaced by glycine, an amino acid with similar properties. This amino acid position is conserved. In addition, this alteration is predicted to be tolerated by in silico analysis. Based on the available evidence, the clinical significance of this variant remains unclear.